The following is an entry in ClinVar:

NM_144997.7(FLCN):c.189C>T (p.Pro63=)

Gene: FLCN (folliculin; minus strand). Cytogenetic location: 17p11.2.
Variant type: single nucleotide variant.
Coding change: c.189C>T on transcript NM_144997.7 (MANE Select); coding-DNA position 189, C replaced by T.
Protein change: p.Pro63=; no amino-acid change (proline 63 retained).
Molecular consequence: synonymous variant.
Genome position (GRCh38, 1-based): chr17:17,227,949, G>A on the plus strand (C>T on the coding strand, the complement: FLCN is on the minus strand). VCF-style: chr17-17227949-G-A. GRCh37 (hg19) VCF-style: chr17-17131263-G-A.
Other names: c.189C>T, p.Pro63= (NM_001353229.2, NM_001353230.2, NM_001353231.2 and 1 more transcripts).
Identifiers: ClinVar variation 772240 (VCV000772240.23), dbSNP rs750047828, ClinGen allele CA8416503.
Genomic context (GRCh38, chr17:17,227,949, plus strand): 5'-CTCGCACATGTCCGACTTTTTGGGCCCCGGGCTGCTGGACTCGACGCTGGCCCCCTCTGC[G>A]GGGCTGTGCGCACGCATCCGACTGTTCATCTGAATGCCACCTTCCTCTTCTTCCGCCTGC-3'
Protein context (NP_659434.2, residues 53-73): QMNSRMRAHS[Pro63=]AEGASVESSS

ClinVar aggregate classification (germline): Benign/Likely benign. Review status: criteria provided, multiple submitters, no conflicts (2 of 4 stars). 5 submissions from 5 submitters: Benign (1); Likely benign (3). 1 of the submissions does not count toward it. Last evaluated 2026-01-13.

Conditions:
Birt-Hogg-Dube syndrome 1 (BHD1). Also called: FIBROFOLLICULOMAS WITH TRICHODISCOMAS AND ACROCHORDONS. Identifiers: Orphanet 122, MedGen CN375946, MONDO:0800445, OMIM 135150.
FLCN-related disorder. Also called: FLCN-related condition.
Hereditary cancer-predisposing syndrome. Also called: Tumor predisposition; Hereditary neoplastic syndrome; Neoplastic Syndromes, Hereditary; Hereditary Cancer Syndrome. Identifiers: Orphanet 140162, MedGen C0027672, MeSH D009386, MONDO:0015356.
Birt-Hogg-Dube syndrome. Also called: Birt Hogg Dubé syndrome. Identifiers: Orphanet 122, MedGen C0346010, MONDO:0800444.

Allele frequency attached by ClinVar (database versions not stated): gnomAD exomes 0.00001 and 0.00002; ExAC 0.00002; gnomAD 0.00005 and 0.00006; TOPMed 0.00009.
gnomAD v4.1: 29 of 1,613,996 alleles (0.0018%); highest among the groups gnomAD compares: African/African-American, 0.016%; no homozygotes.

Submissions (5):

Labcorp Genetics (formerly Invitae), Labcorp
Classification: Likely benign for Birt-Hogg-Dube syndrome. Last evaluated: 2026-01-13. Review status: criteria provided, single submitter. Criteria: Invitae Variant Classification Sherloc (09022015). Collection method: clinical testing. Allele origin: germline.

Myriad Genetics, Inc.
Classification: Benign for Birt-Hogg-Dube syndrome 1. Last evaluated: 2024-10-22. Review status: criteria provided, single submitter. Criteria: Myriad Autosomal Dominant, Autosomal Recessive and X-Linked Classification Criteria (2023). Collection method: clinical testing. Allele origin: unknown.
Comment: This variant is considered benign. This variant is a silent/synonymous amino acid change and it is not expected to impact splicing.

Blueprint Genetics
Classification: Likely benign. Last evaluated: 2024-09-02. Review status: criteria provided, single submitter. Criteria: ACMG Guidelines, 2015. Collection method: clinical testing. Allele origin: germline.

Ambry Genetics
Classification: Likely benign for Hereditary cancer-predisposing syndrome. Last evaluated: 2020-10-02. Review status: criteria provided, single submitter. Criteria: Ambry Variant Classification Scheme 2023. Collection method: clinical testing. Allele origin: germline.

PreventionGenetics, part of Exact Sciences
Classification: Likely benign for FLCN-related condition. Last evaluated: 2019-11-11. Review status: no assertion criteria provided. Collection method: clinical testing. Allele origin: germline. Not counted in ClinVar's aggregate classification.
Comment: This variant is classified as likely benign based on ACMG/AMP sequence variant interpretation guidelines (Richards et al. 2015 PMID: 25741868, with internal and published modifications).